The following is an entry in ClinVar:

ClinVar aggregate classification (germline): Pathogenic (1 of 4 stars; one submission).

Conditions:
Multiple congenital exostosis (EXT). Also called: Hereditary multiple exostoses; Hereditary multiple exostosis; Hereditary multiple osteochondromas; MULTIPLE CARTILAGINOUS EXOSTOSES; Multiple exostoses; Multiple osteochondromas. Identifiers: Orphanet 321, MedGen C0015306, MONDO:0005508, HP:0002762.

Submission:

Labcorp Genetics (formerly Invitae), Labcorp
Classification: Pathogenic for Multiple congenital exostosis. Last evaluated: 2021-12-22. Review status: criteria provided, single submitter. Criteria: Invitae Variant Classification Sherloc (09022015). Collection method: clinical testing. Allele origin: germline.
Comment: This sequence change affects a donor splice site in intron 7 of the EXT1 gene. It is expected to disrupt RNA splicing. Variants that disrupt the donor or acceptor splice site typically lead to a loss of protein function (PMID: 16199547), and loss-of-function variants in EXT1 are known to be pathogenic (PMID: 10679937, 11391482, 19810120). This variant is not present in population databases (gnomAD no frequency). Disruption of this splice site has been observed in individual(s) with multiple osteochondromas (Invitae). Algorithms developed to predict the effect of sequence changes on RNA splicing suggest that this variant may disrupt the consensus splice site. For these reasons, this variant has been classified as Pathogenic.

Literature cited by the submitters: PubMed 16199547; PubMed 10679937; PubMed 11391482; PubMed 19810120.

NM_000127.3(EXT1):c.1632+2T>G

Gene: EXT1 (exostosin glycosyltransferase 1; minus strand). Cytogenetic location: 8q24.11.
Variant type: single nucleotide variant.
Coding change: c.1632+2T>G on transcript NM_000127.3 (MANE Select); the canonical splice donor site of the intron after coding-DNA position 1632, T replaced by G.
Molecular consequence: splice donor variant.
Genome position (GRCh38, 1-based): chr8:117,818,433, A>C on the plus strand (T>G on the coding strand, the complement: EXT1 is on the minus strand). VCF-style: chr8-117818433-A-C. GRCh37 (hg19) VCF-style: chr8-118830672-A-C.
Identifiers: ClinVar variation 2053530 (VCV002053530.4), dbSNP rs2488106446, ClinGen allele CA371882996.